The following is an entry in ClinVar:

NM_000059.4(BRCA2):c.9453A>C (p.Lys3151Asn)

Gene: BRCA2 (BRCA2 DNA repair associated; plus strand). Cytogenetic location: 13q13.1.
Variant type: single nucleotide variant.
Coding change: c.9453A>C on transcript NM_000059.4 (MANE Select); coding-DNA position 9453, A replaced by C.
Protein change: p.Lys3151Asn; replaces lysine 3151 with asparagine.
Molecular consequence: missense variant. On other transcripts: non-coding transcript variant (1).
Genome position (GRCh38, 1-based): chr13:32,394,885, A>C. VCF-style: chr13-32394885-A-C. GRCh37 (hg19) VCF-style: chr13-32969022-A-C.
Other names: c.9357A>C, p.Lys3119Asn (NM_001406719.1); c.9402A>C, p.Lys3134Asn (NM_001406720.1); c.4521A>C, p.Lys1507Asn (NM_001406721.1); c.3036A>C, p.Lys1012Asn (NM_001406722.1); short protein forms K3134N, K1507N, K3119N, K1012N, K3151N.
Identifiers: ClinVar variation 2749743 (VCV002749743.3), dbSNP rs2137654186, ClinGen allele CA387761648.

ClinVar aggregate classification (germline): Uncertain significance (1 of 4 stars; one submission).

Conditions:
Hereditary breast ovarian cancer syndrome. Also called: BRCA1- and BRCA2-Associated Hereditary Breast and Ovarian Cancer; Breast and ovarian cancer; Hereditary breast and/or ovarian cancer syndrome; Hereditary breast and ovarian cancer; Hereditary breast and ovarian cancer syndrome (HBOC); Hereditary breast and ovarian cancer syndrome. Identifiers: Orphanet 145, MedGen C0677776, MeSH D061325, MONDO:0003582. Disease mechanism: loss of function.

Submission:

Labcorp Genetics (formerly Invitae), Labcorp
Classification: Uncertain significance for Hereditary breast ovarian cancer syndrome. Last evaluated: 2023-08-03. Review status: criteria provided, single submitter. Criteria: Invitae Variant Classification Sherloc (09022015). Collection method: clinical testing. Allele origin: germline.
Comment: This sequence change replaces lysine, which is basic and polar, with asparagine, which is neutral and polar, at codon 3151 of the BRCA2 protein (p.Lys3151Asn). This variant is not present in population databases (gnomAD no frequency). This variant has not been reported in the literature in individuals affected with BRCA2-related conditions. Advanced modeling of protein sequence and biophysical properties (such as structural, functional, and spatial information, amino acid conservation, physicochemical variation, residue mobility, and thermodynamic stability) performed at Invitae indicates that this missense variant is not expected to disrupt BRCA2 protein function. In summary, the available evidence is currently insufficient to determine the role of this variant in disease. Therefore, it has been classified as a Variant of Uncertain Significance.